The following is an entry in ClinVar:

ClinVar aggregate classification (germline): Benign/Likely benign. Review status: criteria provided, multiple submitters, no conflicts (2 of 4 stars). 3 submissions from 3 submitters: Benign (1); Likely benign (1). 1 of the submissions does not count toward it. Last evaluated 2024-09-10.

Conditions:
FGF8-related disorder. Also called: FGF8-related condition.
Inborn genetic diseases. Identifiers: MedGen C0950123, MeSH D030342.

gnomAD v4.1: 57 of 1,613,904 alleles (0.0035%); highest among the groups gnomAD compares: African/African-American, 0.0053%; no homozygotes.

Submissions (3):

Ambry Genetics
Classification: Likely benign for Inborn genetic diseases. Last evaluated: 2024-09-10. Review status: criteria provided, single submitter. Criteria: Ambry Variant Classification Scheme 2023. Collection method: clinical testing. Allele origin: germline.

Labcorp Genetics (formerly Invitae), Labcorp
Classification: Benign. Last evaluated: 2021-03-23. Review status: criteria provided, single submitter. Criteria: Invitae Variant Classification Sherloc (09022015). Collection method: clinical testing. Allele origin: germline.

PreventionGenetics, part of Exact Sciences
Classification: Likely benign for FGF8-related condition. Last evaluated: 2024-08-05. Review status: no assertion criteria provided. Collection method: clinical testing. Allele origin: germline. Not counted in ClinVar's aggregate classification.
Comment: This variant is classified as likely benign based on ACMG/AMP sequence variant interpretation guidelines (Richards et al. 2015 PMID: 25741868, with internal and published modifications).

NM_033163.5(FGF8):c.216G>A (p.Thr72=)

Gene: FGF8 (fibroblast growth factor 8; minus strand). Cytogenetic location: 10q24.32.
Variant type: single nucleotide variant.
Coding change: c.216G>A on transcript NM_033163.5 (MANE Select); coding-DNA position 216, G replaced by A.
Protein change: p.Thr72=; no amino-acid change (threonine 72 retained).
Molecular consequence: synonymous variant. On other transcripts: 5 prime UTR variant (1).
Genome position (GRCh38, 1-based): chr10:101,774,853, C>T on the plus strand (G>A on the coding strand, the complement: FGF8 is on the minus strand). VCF-style: chr10-101774853-C-T. GRCh37 (hg19) VCF-style: chr10-103534610-C-T.
Other names: c.-97G>A (NM_001206389.2); c.129G>A, p.Thr43= (NM_006119.6); c.183G>A, p.Thr61= (NM_033164.4); c.96G>A, p.Thr32= (NM_033165.5); c.216G>A (NM_033163.3).
Identifiers: ClinVar variation 1567219 (VCV001567219.5), dbSNP rs560812676, ClinGen allele CA5657664.